The following is an entry in ClinVar:

NM_000526.5(KRT14):c.525G>A (p.Lys175=)

Gene: KRT14 (keratin 14; minus strand). Cytogenetic location: 17q21.2.
Variant type: single nucleotide variant.
Coding change: c.525G>A on transcript NM_000526.5 (MANE Select); coding-DNA position 525, G replaced by A.
Protein change: p.Lys175=; no amino-acid change (lysine 175 retained).
Molecular consequence: synonymous variant.
Genome position (GRCh38, 1-based): chr17:41,586,310, C>T on the plus strand (G>A on the coding strand, the complement: KRT14 is on the minus strand). VCF-style: chr17-41586310-C-T. GRCh37 (hg19) VCF-style: chr17-39742562-C-T.
Identifiers: ClinVar variation 4750833 (VCV004750833.1).

ClinVar aggregate classification (germline): Uncertain significance (1 of 4 stars; one submission).

gnomAD v4.1: 27 of 1,612,026 alleles (0.0017%); highest among the groups gnomAD compares: East Asian, 0.06%; no homozygotes.

Submission:

Labcorp Genetics (formerly Invitae), Labcorp
Classification: Uncertain significance. Last evaluated: 2025-11-16. Review status: criteria provided, single submitter. Criteria: Invitae Variant Classification Sherloc (09022015). Collection method: clinical testing. Allele origin: germline.
Comment: This sequence change affects codon 175 of the KRT14 mRNA. It is a 'silent' change, meaning that it does not change the encoded amino acid sequence of the KRT14 protein. This variant also falls at the last nucleotide of exon 1, which is part of the consensus splice site for this exon. This variant is present in population databases (rs768714133, gnomAD 0.09%). This variant has not been reported in the literature in individuals affected with KRT14-related conditions. Variants that disrupt the consensus splice site are a relatively common cause of aberrant splicing (PMID: 17576681, 9536098). Algorithms developed to predict the effect of sequence changes on RNA splicing suggest that this variant may disrupt the consensus splice site. In summary, the available evidence is currently insufficient to determine the role of this variant in disease. Therefore, it has been classified as a Variant of Uncertain Significance.

Literature cited by the submitters: PubMed 17576681; PubMed 9536098.